The following is an entry in ClinVar:

ClinVar aggregate classification (germline): Uncertain significance (1 of 4 stars; one submission).

Conditions:
Hereditary cancer-predisposing syndrome. Also called: Hereditary neoplastic syndrome; Neoplastic Syndromes, Hereditary; Tumor predisposition; Hereditary Cancer Syndrome. Identifiers: Orphanet 140162, MedGen C0027672, MeSH D009386, MONDO:0015356.

Submission:

Ambry Genetics
Classification: Uncertain significance for Hereditary cancer-predisposing syndrome. Last evaluated: 2025-08-27. Review status: criteria provided, single submitter. Criteria: Ambry Variant Classification Scheme 2023. Collection method: clinical testing. Allele origin: germline.
Comment: The p.A548D variant (also known as c.1643C>A), located in coding exon 16 of the MUTYH gene, results from a C to A substitution at nucleotide position 1643. The alanine at codon 548 is replaced by aspartic acid, an amino acid with dissimilar properties. This amino acid position is conserved. In addition, this alteration is predicted to be tolerated by in silico analysis. Based on the available evidence, the clinical significance of this variant remains unclear.

NM_001048174.2(MUTYH):c.1559C>A (p.Ala520Asp)

Gene: MUTYH (mutY DNA glycosylase; minus strand). Cytogenetic location: 1p34.1.
Variant type: single nucleotide variant.
Coding change: c.1559C>A on transcript NM_001048174.2 (MANE Select); coding-DNA position 1559, C replaced by A.
Protein change: p.Ala520Asp; replaces alanine 520 with aspartic acid.
Molecular consequence: missense variant. On other transcripts: non-coding transcript variant (7).
Genome position (GRCh38, 1-based): chr1:45,329,313, G>T on the plus strand (C>A on the coding strand, the complement: MUTYH is on the minus strand). VCF-style: chr1-45329313-G-T. GRCh37 (hg19) VCF-style: chr1-45794985-G-T.
Other names: c.1559C>A, p.Ala520Asp (NM_001048171.2, NM_001048173.2, NM_001293195.2 and 6 more transcripts); c.1562C>A, p.Ala521Asp (NM_001048172.2, NM_001407071.1, NM_001407078.1 and 1 more transcripts); c.1643C>A, p.Ala548Asp (NM_001128425.2); c.1604C>A, p.Ala535Asp (NM_001293190.2); c.1592C>A, p.Ala531Asp (NM_001293191.2, NM_001407069.1, NM_001407077.1); c.1283C>A, p.Ala428Asp (NM_001293192.2, NM_001293196.2, NM_001407091.1); c.1214C>A, p.Ala405Asp (NM_001350650.2, NM_001350651.2, NM_001407082.1); c.1475C>A, p.Ala492Asp (NM_001407075.1); and 5 more; short protein forms A405D, A531D, A545D, A548D, A507D, A521D, A492D, A520D.
Identifiers: ClinVar variation 4113489 (VCV004113489.1).